The following is an entry in ClinVar:

NM_000059.4(BRCA2):c.882del (p.Val295fs)

Gene: BRCA2 (BRCA2 DNA repair associated; plus strand). Cytogenetic location: 13q13.1.
Variant type: Deletion.
Coding change: c.882del on transcript NM_000059.4 (MANE Select); coding-DNA position 882, one base deleted (A; older notation c.882delA).
Protein change: p.Val295fs; shifts the reading frame from valine 295.
Molecular consequence: frameshift variant. On other transcripts: non-coding transcript variant (1), intron variant (1).
Genome position (GRCh38, 1-based): chr13:32,332,360, A deleted; the last of 2 consecutive A bases (chr13:32,332,359-32,332,360); deleting either gives the same sequence. VCF-style (leftmost placement, unchanged base first): chr13-32332358-GA-G. GRCh37 (hg19) VCF-style: chr13-32906495-GA-G.
Other names: c.882del, p.Val295fs (NM_001406719.1, NM_001406720.1, NM_001406721.1 and 1 more transcripts); c.424+1330del (NM_001406722.1); short protein forms V295fs.
Identifiers: ClinVar variation 3904690 (VCV003904690.1).

ClinVar aggregate classification (germline): Pathogenic (1 of 4 stars; one submission).

Conditions:
Breast-ovarian cancer, familial, susceptibility to, 2 (BROVCA2). Also called: BRCA2 Hereditary Breast and Ovarian Cancer. Identifiers: Orphanet 145, MedGen C2675520, MONDO:0012933, OMIM 612555. Disease mechanism: loss of function.

Submission:

Myriad Genetics, Inc.
Classification: Pathogenic for Breast-ovarian cancer, familial, susceptibility to, 2. Last evaluated: 2024-12-27. Review status: criteria provided, single submitter. Criteria: Myriad Autosomal Dominant, Autosomal Recessive and X-Linked Classification Criteria (2023). Collection method: clinical testing. Allele origin: unknown.
Comment: This variant is considered pathogenic. This variant creates a frameshift predicted to result in premature protein truncation.